The following is an entry in ClinVar:

NM_153704.6(TMEM67):c.2892A>C (p.Thr964=)

Gene: TMEM67 (transmembrane protein 67; plus strand). Cytogenetic location: 8q22.1.
Variant type: single nucleotide variant.
Coding change: c.2892A>C on transcript NM_153704.6 (MANE Select); coding-DNA position 2892, A replaced by C.
Protein change: p.Thr964=; no amino-acid change (threonine 964 retained).
Molecular consequence: synonymous variant. On other transcripts: non-coding transcript variant (1).
Genome position (GRCh38, 1-based): chr8:93,815,432, A>C. VCF-style: chr8-93815432-A-C. GRCh37 (hg19) VCF-style: chr8-94827660-A-C.
Other names: p.Thr964=; c.2649A>C, p.Thr883= (NM_001142301.1).
Identifiers: ClinVar variation 96529 (VCV000096529.29), dbSNP rs16916221, ClinGen allele CA149587.

ClinVar aggregate classification (germline): Benign. Review status: criteria provided, multiple submitters, no conflicts (2 of 4 stars). 11 submissions from 9 submitters: Benign (10). 1 of the submissions does not count toward it. Last evaluated 2026-02-04.

Conditions:
Meckel-Gruber syndrome. Also called: DYSENCEPHALIA SPLANCHNOCYSTICA; GRUBER SYNDROME; Dysencephalia splachnocystica. Identifiers: Orphanet 564, MedGen C0265215, MONDO:0018921.
Joubert syndrome. Also called: JOUBERT-BOLTSHAUSER SYNDROME; Familial aplasia of the vermis. Identifiers: Orphanet 475, MedGen C5979921, MONDO:0018772.
Joubert syndrome 6 (JBTS6). Identifiers: Orphanet 475, MedGen C1853153, MONDO:0012539, OMIM 610688.
Nephronophthisis 11 (NPHP11). Identifiers: Orphanet 84081, MedGen C3150796, MONDO:0013302, OMIM 613550.
Meckel syndrome, type 3 (MKS3). Also called: MECKEL-GRUBER SYNDROME, TYPE 3. Identifiers: Orphanet 564, MedGen C1846357, MONDO:0011821, OMIM 607361.

Allele frequency attached by ClinVar (database versions not stated): ESP Exome Variant Server 0.00169; TOPMed 0.02380; ExAC 0.03615; gnomAD exomes 0.04084; 1000 Genomes Project 30x 0.06636; 1000 Genomes Project 0.06929.
gnomAD v4.1: 21,695 of 1,612,588 alleles (1.3%); highest among the groups gnomAD compares: East Asian, 21%; 1,672 homozygotes.

Submissions (11):

Labcorp Genetics (formerly Invitae), Labcorp
Classification: Benign for Joubert syndrome; Meckel-Gruber syndrome. Last evaluated: 2026-02-04. Review status: criteria provided, single submitter. Criteria: Invitae Variant Classification Sherloc (09022015). Collection method: clinical testing. Allele origin: germline.

Blueprint Genetics
Classification: Benign. Last evaluated: 2024-11-27. Review status: criteria provided, single submitter. Criteria: ACMG Guidelines, 2015. Collection method: clinical testing. Allele origin: germline.

Mayo Clinic Laboratories, Mayo Clinic
Classification: Benign. Last evaluated: 2022-03-23. Review status: criteria provided, single submitter. Criteria: ACMG Guidelines, 2015. Collection method: clinical testing. Allele origin: germline. Observed: 19 variant alleles.

Illumina Laboratory Services, Illumina
Classification: Benign for Nephronophthisis 11. Last evaluated: 2018-01-13. Review status: criteria provided, single submitter. Criteria: ICSL Variant Classification Criteria 13 December 2019. Collection method: clinical testing. Allele origin: germline.
Comment: This variant was observed in the ICSL laboratory as part of a predisposition screen in an ostensibly healthy population. It had not been previously curated by ICSL or reported in the Human Gene Mutation Database (HGMD: prior to June 1st, 2018), and was therefore a candidate for classification through an automated scoring system. Utilizing variant allele frequency, disease prevalence and penetrance estimates, and inheritance mode, an automated score was calculated to assess if this variant is too frequent to cause the disease. Based on the score and internal cut-off values, a variant classified as benign is not then subjected to further curation. The score for this variant resulted in a classification of benign for this disease.

Illumina Laboratory Services, Illumina
Classification: Benign for Joubert syndrome 6. Last evaluated: 2018-01-13. Review status: criteria provided, single submitter. Criteria: ICSL Variant Classification Criteria 13 December 2019. Collection method: clinical testing. Allele origin: germline.
Comment: the same text as in the submission from Illumina Laboratory Services, Illumina above.

Illumina Laboratory Services, Illumina
Classification: Benign for Meckel syndrome, type 3. Last evaluated: 2018-01-13. Review status: criteria provided, single submitter. Criteria: ICSL Variant Classification Criteria 13 December 2019. Collection method: clinical testing. Allele origin: germline.
Comment: the same text as in the submission from Illumina Laboratory Services, Illumina above.

GeneDx
Classification: Benign. Last evaluated: 2015-03-03. Review status: criteria provided, single submitter. Criteria: GeneDx Variant Classification Process June 2021. Collection method: clinical testing. Allele origin: germline. Affected: yes.

Eurofins Ntd Llc (ga)
Classification: Benign. Last evaluated: 2013-04-05. Review status: criteria provided, single submitter. Criteria: EGL Classification Definitions 2015. Collection method: clinical testing. Allele origin: germline. Observed: 3 variant alleles, 2 heterozygotes, 1 homozygote.

Breakthrough Genomics
Classification: Benign. Review status: criteria provided, single submitter. Criteria: ACMG Guidelines, 2015. Collection method: not provided. Allele origin: germline. Inheritance: Autosomal recessive inheritance. Affected: yes.

PreventionGenetics, part of Exact Sciences
Classification: Benign. Review status: criteria provided, single submitter. Criteria: ACMG Guidelines, 2015. Collection method: clinical testing. Allele origin: germline.

Genetic Services Laboratory, University of Chicago
Classification: Likely benign for AllHighlyPenetrant. Review status: no assertion criteria provided. Collection method: clinical testing. Allele origin: germline. Inheritance: Autosomal recessive inheritance. Observed: 19 variant alleles. Not counted in ClinVar's aggregate classification.
Comment: Likely benign based on allele frequency in 1000 Genomes Project or ESP global frequency and its presence in a patient with a rare or unrelated disease phenotype. NOT Sanger confirmed.